The following is an entry in ClinVar:

NM_000487.6(ARSA):c.1018C>T (p.Pro340Ser)

Gene: ARSA (arylsulfatase A; minus strand). Cytogenetic location: 22q13.33.
Variant type: single nucleotide variant.
Coding change: c.1018C>T on transcript NM_000487.6 (MANE Select); coding-DNA position 1018, C replaced by T.
Protein change: p.Pro340Ser; replaces proline 340 with serine.
Molecular consequence: missense variant.
Genome position (GRCh38, 1-based): chr22:50,626,025, G>A on the plus strand (C>T on the coding strand, the complement: ARSA is on the minus strand). VCF-style: chr22-50626025-G-A. GRCh37 (hg19) VCF-style: chr22-51064453-G-A.
Other names: p.Pro340Ser; c.1018C>T, p.Pro340Ser (NM_001085425.3, NM_001085426.3, NM_001085427.3); c.760C>T, p.Pro254Ser (NM_001085428.3, NM_001362782.2); short protein forms P340S, P254S.
Identifiers: ClinVar variation 4542473 (VCV004542473.1).
Genomic context (GRCh38, chr22:50,626,025, plus strand): 5'-GGTCAAAGCCATCCAAGGTGACATTGGGCAGTGGGGCCCCAGCCAGGGCTGCCAGGGTAG[G>A]CAGCAGGTCCAGGGAGCTGGCCAGCTCGTGGGTCACGCCTGGGGGCAGGAGGCTGGTCAG-3'
Protein context (NP_000478.3, residues 330-350): HELASSLDLL[Pro340Ser]TLAALAGAPL

ClinVar aggregate classification (germline): Uncertain significance (1 of 4 stars; one submission).

Submission:

Mayo Clinic Laboratories, Mayo Clinic
Classification: Uncertain significance. Last evaluated: 2025-05-16. Review status: criteria provided, single submitter. Criteria: ACMG Guidelines, 2015. Collection method: clinical testing. Allele origin: germline. Observed: 1 variant allele.
Comment: PP3_strong, PM2_supporting